The following is an entry in ClinVar:

ClinVar aggregate classification (germline): Uncertain significance (1 of 4 stars; one submission).

Conditions:
Neurofibromatosis, type 1 (NF1). Also called: NEUROFIBROMATOSIS, TYPE I, SOMATIC; Peripheral type neurofibromatosis; VON RECKLINGHAUSEN DISEASE; Neurofibromatosis, type I. Identifiers: Orphanet 636, MedGen C0027831, MONDO:0018975, OMIM 162200. Disease mechanism: loss of function.

Submission:

Labcorp Genetics (formerly Invitae), Labcorp
Classification: Uncertain significance for Neurofibromatosis, type 1. Last evaluated: 2020-07-20. Review status: criteria provided, single submitter. Criteria: Invitae Variant Classification Sherloc (09022015). Collection method: clinical testing. Allele origin: germline.
Comment: In summary, the available evidence is currently insufficient to determine the role of this variant in disease. Therefore, it has been classified as a Variant of Uncertain Significance. Advanced modeling of protein sequence and biophysical properties (such as structural, functional, and spatial information, amino acid conservation, physicochemical variation, residue mobility, and thermodynamic stability) performed at Invitae indicates that this missense variant is not expected to disrupt NF1 protein function. This variant has not been reported in the literature in individuals with NF1-related conditions. This variant is not present in population databases (ExAC no frequency). This sequence change replaces asparagine with histidine at codon 1493 of the NF1 protein (p.Asn1493His). The asparagine residue is highly conserved and there is a small physicochemical difference between asparagine and histidine.

NM_001042492.3(NF1):c.4540A>C (p.Asn1514His)

Gene: NF1 (neurofibromin 1; plus strand). Cytogenetic location: 17q11.2.
Variant type: single nucleotide variant.
Coding change: c.4540A>C on transcript NM_001042492.3 (MANE Select); coding-DNA position 4540, A replaced by C.
Protein change: p.Asn1514His; replaces asparagine 1514 with histidine.
Molecular consequence: missense variant.
Genome position (GRCh38, 1-based): chr17:31,260,478, A>C. VCF-style: chr17-31260478-A-C. GRCh37 (hg19) VCF-style: chr17-29587496-A-C.
Other names: c.4477A>C, p.Asn1493His (NM_000267.4); short protein forms N1493H, N1514H.
Identifiers: ClinVar variation 1000208 (VCV001000208.5), dbSNP rs864622404, ClinGen allele CA398999765.